The following is an entry in ClinVar:

ClinVar aggregate classification (germline): Conflicting classifications of pathogenicity. Review status: criteria provided, conflicting classifications (1 of 4 stars). 3 submissions from 3 submitters: Likely pathogenic (2); Uncertain significance (1). Last evaluated 2024-07-16.

Conditions:
Cardiovascular phenotype. Identifiers: MedGen CN230736.
ACVRL1-related disorder. Also called: ACVRL1-related condition; ACVRL1-related disorders.
Telangiectasia, hereditary hemorrhagic, type 2 (HHT2). Also called: ACVRL1-Related Hereditary Hemorrhagic Telangiectasia; Telangiectasia, hereditary hemorrhagic, type II. Identifiers: Orphanet 774, MedGen C1838163, MONDO:0010880, OMIM 600376. Disease mechanism: loss of function.

Submissions (3):

Labcorp Genetics (formerly Invitae), Labcorp
Classification: Likely pathogenic for Telangiectasia, hereditary hemorrhagic, type 2. Last evaluated: 2024-07-16. Review status: criteria provided, single submitter. Criteria: Invitae Variant Classification Sherloc (09022015). Collection method: clinical testing. Allele origin: germline.
Comment: This variant, c.692_694del, results in the deletion of 1 amino acid(s) of the ACVRL1 protein (p.Phe231del), but otherwise preserves the integrity of the reading frame. This variant is not present in population databases (gnomAD no frequency). This variant has been observed in individual(s) with clinical features of hereditary hemorrhagic telangiectasia (Invitae). It has also been observed to segregate with disease in related individuals. ClinVar contains an entry for this variant (Variation ID: 1756170). Experimental studies and prediction algorithms are not available or were not evaluated, and the functional significance of this variant is currently unknown. In summary, the currently available evidence indicates that the variant is pathogenic, but additional data are needed to prove that conclusively. Therefore, this variant has been classified as Likely Pathogenic.

Blueprint Genetics
Classification: Likely pathogenic for ACVRL1-related disorders. Last evaluated: 2023-11-08. Review status: criteria provided, single submitter. Criteria: ACMG Guidelines, 2015. Collection method: clinical testing. Allele origin: germline. Affected: yes. Observed: 1 variant allele.

Ambry Genetics
Classification: Uncertain significance for Cardiovascular phenotype. Last evaluated: 2015-12-01. Review status: criteria provided, single submitter. Criteria: Ambry Variant Classification Scheme 2023. Collection method: clinical testing. Allele origin: germline.
Comment: The c.692_694delTCT variant (also known as p.F231DEL) is located in coding exon 5 of the ACVRL1 gene. This variant results from an in-frame TCT deletion between nucleotide positions 692 and 694. The phenylalanine at codon 231 is deleted. This variant was not reported in population based cohorts in the following databases: Database of Single Nucleotide Polymorphisms (dbSNP), NHLBI Exome Sequencing Project (ESP), and 1000 Genomes Project. In the ESP, this variant was not observed in 6503 samples (13006 alleles) with coverage at this position. This amino acid position is highly conserved in available vertebrate species. Since supporting evidence is limited at this time, the clinical significance of this variant remains unclear.

NM_000020.3(ACVRL1):c.689TCT[1] (p.Phe231del)

Gene: ACVRL1 (activin A receptor like type 1; plus strand). Cytogenetic location: 12q13.13.
Variant type: Microsatellite.
Coding change: c.689TCT[1] on transcript NM_000020.3 (MANE Select); one copy of the 3-base unit TCT starting at c.689; the reference has two copies in a row; one copy, 3 bases deleted.
Protein change: p.Phe231del; deletes phenylalanine 231.
Molecular consequence: inframe deletion. On other transcripts: inframe indel (11).
Genome position (GRCh38, 1-based): chr12:51,914,505-51,914,507, TCT deleted; deleting any 3 consecutive bases within chr12:51,914,502-51,914,507 gives the same sequence; the position shown is the placement nearest the transcript's 3' end. VCF-style (leftmost placement, unchanged base first): chr12-51914501-ATCT-A. GRCh37 (hg19) VCF-style: chr12-52308285-ATCT-A.
Other names: c.689_691TCT[1], p.Phe231del (NM_000020.2, NM_001406487.1, NM_001406488.1 and 1 more transcripts); c.689TCT[1], p.Phe231del (NM_001077401.2); c.377_379TCT[1], p.Phe127del (NM_001406490.1, NM_001406491.1, NM_001406492.1 and 2 more transcripts); c.125_127TCT[1], p.Phe43del (NM_001406495.1); c.692_694delTCT (NM_000020.2); short protein forms F43del, F127del, F231del.
Identifiers: ClinVar variation 1756170 (VCV001756170.8), dbSNP rs2540162684, ClinGen allele CA2580615205.